The following is an entry in ClinVar:

ClinVar aggregate classification (germline): Likely pathogenic (1 of 4 stars; one submission).

Conditions:
Glaucoma 3, primary congenital, E (GLC3E). Identifiers: MedGen C4310639, MONDO:0014998, OMIM 617272.
Multiple cutaneous and mucosal venous malformations (VMCM). Also called: TEK-Related Multiple Cutaneous and Mucosal Venous Malformations (VMCM). Identifiers: Orphanet 2451, MedGen C1838437, MONDO:0010842, OMIM 600195.

Submission:

Juno Genomics, Hangzhou Juno Genomics, Inc
Classification: Likely pathogenic for Glaucoma 3, primary congenital, E; Multiple cutaneous and mucosal venous malformations. Review status: criteria provided, single submitter. Criteria: ACMG Guidelines, 2015. Collection method: clinical testing. Allele origin: germline.
Comment: Null variant in a gene where loss of function (LOF) is a known mechanism of disease.;Absent from controls (or at extremely low frequency if recessive) in Genome Aggregation Database.

NM_000459.5(TEK):c.2364+1G>A

Gene: TEK (TEK receptor tyrosine kinase; plus strand). Cytogenetic location: 9p21.2.
Variant type: single nucleotide variant.
Coding change: c.2364+1G>A on transcript NM_000459.5 (MANE Select); the canonical splice donor site of the intron after coding-DNA position 2364, G replaced by A.
Molecular consequence: splice donor variant. On other transcripts: intron variant (3).
Genome position (GRCh38, 1-based): chr9:27,205,066, G>A. VCF-style: chr9-27205066-G-A. GRCh37 (hg19) VCF-style: chr9-27205064-G-A.
Other names: c.2235+1G>A (NM_001290077.2); c.1920+4G>A (NM_001290078.2); c.2361+4G>A (NM_001375475.1); c.2232+4G>A (NM_001375476.1).
Identifiers: ClinVar variation 5007438 (VCV005007438.2).
Genomic context (GRCh38, chr9:27,205,066, plus strand): 5'-ATATTGCAATTGAAGAGGGCAAATGTGCAAAGGAGAATGGCCCAAGCCTTCCAAAACGTG[G>A]TAGTGTCTCATCTTCCTACTAGCTAATAAGGGCAAGTCCAAGTACAGGCAGAACCTTCAC-3'